The following is an entry in ClinVar:

ClinVar aggregate classification (germline): Uncertain significance (1 of 4 stars; one submission).

Conditions:
Hereditary nonpolyposis colorectal neoplasms. Identifiers: MedGen C0009405, MeSH D003123.

Submission:

Labcorp Genetics (formerly Invitae), Labcorp
Classification: Uncertain significance for Hereditary nonpolyposis colorectal neoplasms. Last evaluated: 2021-08-19. Review status: criteria provided, single submitter. Criteria: Invitae Variant Classification Sherloc (09022015). Collection method: clinical testing. Allele origin: germline.
Comment: This sequence change replaces proline with threonine at codon 152 of the PMS2 protein (p.Pro152Thr). The proline residue is weakly conserved and there is a small physicochemical difference between proline and threonine. This variant is not present in population databases (ExAC no frequency). This variant has not been reported in the literature in individuals affected with PMS2-related conditions. Advanced modeling of protein sequence and biophysical properties (such as structural, functional, and spatial information, amino acid conservation, physicochemical variation, residue mobility, and thermodynamic stability) performed at Invitae indicates that this missense variant is not expected to disrupt PMS2 protein function. In summary, the available evidence is currently insufficient to determine the role of this variant in disease. Therefore, it has been classified as a Variant of Uncertain Significance.

NM_000535.7(PMS2):c.454C>A (p.Pro152Thr)

Gene: PMS2 (PMS1 homolog 2, mismatch repair system component; minus strand). Cytogenetic location: 7p22.1.
Variant type: single nucleotide variant.
Coding change: c.454C>A on transcript NM_000535.7 (MANE Select); coding-DNA position 454, C replaced by A.
Protein change: p.Pro152Thr; replaces proline 152 with threonine.
Molecular consequence: missense variant. On other transcripts: 5 prime UTR variant (2), non-coding transcript variant (1).
Genome position (GRCh38, 1-based): chr7:6,002,536, G>T on the plus strand (C>A on the coding strand, the complement: PMS2 is on the minus strand). VCF-style: chr7-6002536-G-T. GRCh37 (hg19) VCF-style: chr7-6042167-G-T.
Other names: c.49C>A, p.Pro17Thr (NM_001322003.2, NM_001322004.2, NM_001322005.2 and 3 more transcripts); c.454C>A, p.Pro152Thr (NM_001322006.2, NM_001322014.2); c.136C>A, p.Pro46Thr (NM_001322007.2, NM_001322008.2); c.-431C>A (NM_001322011.2, NM_001322012.2); c.145C>A, p.Pro49Thr (NM_001322015.2); short protein forms P17T, P152T, P46T, P49T.
Identifiers: ClinVar variation 1347373 (VCV001347373.6), dbSNP rs2128817422, ClinGen allele CA366744319.